The following is an entry in ClinVar:

ClinVar aggregate classification (germline): Uncertain significance (1 of 4 stars; one submission).

Submission:

Dasa
Classification: Uncertain significance. Last evaluated: 2026-07-10. Review status: criteria provided, single submitter. Criteria: DASA Assertion Criteria. Collection method: clinical testing. Allele origin: germline.
Comment: NM_000545.8(HNF1A):c.232G>C (p.Gly78Arg) is a missense variant that results in the substitution of glycine with arginine. This variant is rare in population databases. Computational prediction algorithms are consistent with a deleterious effect. The currently available literature and clinical evidence are not sufficient to establish a definitive association between this variant and the reported condition. Therefore, this variant is classified as a variant of uncertain significance.

NM_000545.8(HNF1A):c.232G>C (p.Gly78Arg)

Gene: HNF1A (HNF1 homeobox A; plus strand). Cytogenetic location: 12q24.31.
Variant type: single nucleotide variant.
Coding change: c.232G>C on transcript NM_000545.8 (MANE Select); coding-DNA position 232, G replaced by C.
Protein change: p.Gly78Arg; replaces glycine 78 with arginine.
Molecular consequence: missense variant.
Genome position (GRCh38, 1-based): chr12:120,979,000, G>C. VCF-style: chr12-120979000-G-C. GRCh37 (hg19) VCF-style: chr12-121416803-G-C.
Other names: c.232G>C, p.Gly78Arg (NM_001306179.2, NM_001406915.1); short protein forms G78R.
Identifiers: ClinVar variation 5020213 (VCV005020213.1).